The following is an entry in ClinVar:

NM_024503.5(HIVEP3):c.3306G>A (p.Lys1102=)

Gene: HIVEP3 (HIVEP zinc finger 3; minus strand). Cytogenetic location: 1p34.2.
Variant type: single nucleotide variant.
Coding change: c.3306G>A on transcript NM_024503.5 (MANE Select); coding-DNA position 3306, G replaced by A.
Protein change: p.Lys1102=; no amino-acid change (lysine 1102 retained).
Molecular consequence: synonymous variant.
Genome position (GRCh38, 1-based): chr1:41,581,492, C>T on the plus strand (G>A on the coding strand, the complement: HIVEP3 is on the minus strand). VCF-style: chr1-41581492-C-T. GRCh37 (hg19) VCF-style: chr1-42047163-C-T.
Other names: c.3306G>A, p.Lys1102= (NM_001127714.3).
Identifiers: ClinVar variation 3041853 (VCV003041853.2), dbSNP rs543076190, ClinGen allele CA797878.

ClinVar aggregate classification (germline): Likely benign (0 of 4 stars; one submission).

Conditions:
HIVEP3-related disorder. Also called: HIVEP3-related condition.

Allele frequency attached by ClinVar (database versions not stated): TOPMed 0.00004; gnomAD 0.00018; ExAC 0.00031; 1000 Genomes Project 30x 0.00078; 1000 Genomes Project 0.00100.
gnomAD v4.1: 389 of 1,574,598 alleles (0.025%); highest among the groups gnomAD compares: South Asian, 0.44%; 2 homozygotes.

Submission:

PreventionGenetics, part of Exact Sciences
Classification: Likely benign for HIVEP3-related condition. Last evaluated: 2019-05-06. Review status: no assertion criteria provided. Collection method: clinical testing. Allele origin: germline.
Comment: This variant is classified as likely benign based on ACMG/AMP sequence variant interpretation guidelines (Richards et al. 2015 PMID: 25741868, with internal and published modifications).